The following is an entry in ClinVar:

ClinVar aggregate classification (germline): Uncertain significance (1 of 4 stars; one submission).

Conditions:
Hereditary cancer-predisposing syndrome. Also called: Tumor predisposition; Neoplastic Syndromes, Hereditary; Hereditary Cancer Syndrome; Hereditary neoplastic syndrome. Identifiers: Orphanet 140162, MedGen C0027672, MeSH D009386, MONDO:0015356.

Submission:

Ambry Genetics
Classification: Uncertain significance for Hereditary cancer-predisposing syndrome. Last evaluated: 2025-02-03. Review status: criteria provided, single submitter. Criteria: Ambry Variant Classification Scheme 2023. Collection method: clinical testing. Allele origin: germline.
Comment: The p.P67T variant (also known as c.199C>A), located in coding exon 1 of the MEN1 gene, results from a C to A substitution at nucleotide position 199. The proline at codon 67 is replaced by threonine, an amino acid with highly similar properties. This amino acid position is conserved. In addition, the in silico prediction for this alteration is inconclusive. Based on the available evidence, the clinical significance of this variant remains unclear.

NM_001370259.2(MEN1):c.199C>A (p.Pro67Thr)

Gene: MEN1 (menin 1; minus strand). Cytogenetic location: 11q13.1.
Variant type: single nucleotide variant.
Coding change: c.199C>A on transcript NM_001370259.2 (MANE Select); coding-DNA position 199, C replaced by A.
Protein change: p.Pro67Thr; replaces proline 67 with threonine.
Molecular consequence: missense variant. On other transcripts: non-coding transcript variant (4).
Genome position (GRCh38, 1-based): chr11:64,809,911, G>T on the plus strand (C>A on the coding strand, the complement: MEN1 is on the minus strand). VCF-style: chr11-64809911-G-T. GRCh37 (hg19) VCF-style: chr11-64577383-G-T.
Other names: c.199C>A, p.Pro67Thr (NM_000244.4, NM_001370251.2, NM_001370260.2 and 20 more transcripts); short protein forms P67T.
Identifiers: ClinVar variation 3872253 (VCV003872253.1).